The following is an entry in ClinVar:

ClinVar aggregate classification (germline): Pathogenic. Review status: criteria provided, multiple submitters, no conflicts (2 of 4 stars). 2 submissions from 2 submitters: Pathogenic (2). Last evaluated 2024-11-27.

Conditions:
Recessive dystrophic epidermolysis bullosa (RDEB). Also called: DYSTROPHIC EPIDERMOLYSIS BULLOSA, AUTOSOMAL RECESSIVE; EPIDERMOLYSIS BULLOSA DYSTROPHICA, HALLOPEAU-SIEMENS TYPE; severe generalized recessive dystrophic epidermolysis bullosa; EPIDERMOLYSIS BULLOSA DYSTROPHICA, GENERALIZED SEVERE, AUTOSOMAL RECESSIVE; epidermolysis bullosa dystrophica, autosomal recessive; Epidermolysis Bullosa Distrophica Autosomal Recessive (RDEB). Identifiers: Orphanet 79408, Orphanet 79409, MedGen C0079474, MONDO:0009179, OMIM 226600.

Allele frequency attached by ClinVar (database versions not stated): gnomAD exomes below 0.00001.
gnomAD v4.1: 1 of 1,613,222 alleles (0.000062%); highest among the groups gnomAD compares: South Asian, 0.0011%; no homozygotes.

Submissions (2):

Myriad Genetics, Inc.
Classification: Pathogenic for Recessive dystrophic epidermolysis bullosa. Last evaluated: 2024-11-27. Review status: criteria provided, single submitter. Criteria: Myriad Autosomal Dominant, Autosomal Recessive and X-Linked Classification Criteria (2023). Collection method: clinical testing. Allele origin: unknown.
Comment: NM_000094.3(COL7A1):c.2989C>T(Q997*) is expected to be pathogenic in the context of dystrophic epidermolysis bullosa. This variant is predicted to lead to an abnormal or absent protein product due to the creation of a premature termination codon in COL7A1, a gene where loss-of-function variants are known to be pathogenic. Please note: this variant was assessed in the context of healthy population screening.

Department of Genetics, Sultan Qaboos University Hospital
Classification: Pathogenic for Recessive dystrophic epidermolysis bullosa. Last evaluated: 2017-12-30. Review status: criteria provided, single submitter. Criteria: ACMG Guidelines, 2015. Collection method: curation. Allele origin: unknown. Affected: yes.

NM_000094.4(COL7A1):c.2989C>T (p.Gln997Ter)

Gene: COL7A1 (collagen type VII alpha 1 chain; minus strand). Cytogenetic location: 3p21.31.
Variant type: single nucleotide variant.
Coding change: c.2989C>T on transcript NM_000094.4 (MANE Select); coding-DNA position 2989, C replaced by T.
Protein change: p.Gln997Ter; replaces glutamine 997 with a stop codon.
Molecular consequence: nonsense.
Genome position (GRCh38, 1-based): chr3:48,587,423, G>A on the plus strand (C>T on the coding strand, the complement: COL7A1 is on the minus strand). VCF-style: chr3-48587423-G-A. GRCh37 (hg19) VCF-style: chr3-48624856-G-A.
Other names: short protein forms Q997*.
Identifiers: ClinVar variation 623379 (VCV000623379.3), dbSNP rs1559423385, ClinGen allele CA352713730.